The following is an entry in ClinVar:

NM_003235.5(TG):c.6272A>G (p.Asp2091Gly)

Gene: TG (thyroglobulin; plus strand). Cytogenetic location: 8q24.22.
Variant type: single nucleotide variant.
Coding change: c.6272A>G on transcript NM_003235.5 (MANE Select); coding-DNA position 6272, A replaced by G.
Protein change: p.Asp2091Gly; replaces aspartic acid 2091 with glycine.
Molecular consequence: missense variant.
Genome position (GRCh38, 1-based): chr8:133,011,910, A>G. VCF-style: chr8-133011910-A-G. GRCh37 (hg19) VCF-style: chr8-134024155-A-G.
Other names: short protein forms D2091G.
Identifiers: ClinVar variation 778404 (VCV000778404.12), dbSNP rs61743198, ClinGen allele CA4884868.

ClinVar aggregate classification (germline): Benign/Likely benign. Review status: criteria provided, multiple submitters, no conflicts (2 of 4 stars). 3 submissions from 3 submitters: Benign (1); Likely benign (2). Last evaluated 2026-02-02.

Conditions:
Iodotyrosyl coupling defect (TDH3). Also called: HYPOTHYROIDISM, CONGENITAL, DUE TO DYSHORMONOGENESIS, 3; THYROID HORMONOGENESIS, GENETIC DEFECT IN, 3. Identifiers: Orphanet 95716, MedGen C0342194, MONDO:0010135, OMIM 274700.

Allele frequency attached by ClinVar (database versions not stated): gnomAD exomes 0.00140 and 0.00333; ExAC 0.00394; gnomAD 0.01306 and 0.01391; TOPMed 0.01397; ESP Exome Variant Server 0.01530; 1000 Genomes Project 0.01558; 1000 Genomes Project 30x 0.01655.
gnomAD v4.1: 4,098 of 1,613,958 alleles (0.25%); highest among the groups gnomAD compares: African/African-American, 4.6%; 89 homozygotes.

Submissions (3):

Labcorp Genetics (formerly Invitae), Labcorp
Classification: Benign. Last evaluated: 2026-02-02. Review status: criteria provided, single submitter. Criteria: Invitae Variant Classification Sherloc (09022015). Collection method: clinical testing. Allele origin: germline.

Illumina Laboratory Services, Illumina
Classification: Likely benign for Iodotyrosyl coupling defect. Last evaluated: 2018-01-13. Review status: criteria provided, single submitter. Criteria: ICSL Variant Classification Criteria 13 December 2019. Collection method: clinical testing. Allele origin: germline.
Comment: This variant was observed in the ICSL laboratory as part of a predisposition screen in an ostensibly healthy population. It had not been previously curated by ICSL or reported in the Human Gene Mutation Database (HGMD: prior to June 1st, 2018), and was therefore a candidate for classification through an automated scoring system. Utilizing variant allele frequency, disease prevalence and penetrance estimates, and inheritance mode, an automated score was calculated to assess if this variant is too frequent to cause the disease. Based on the score and internal cut-off values, a variant classified as likely benign is not then subjected to further curation. The score for this variant resulted in a classification of likely benign for this disease.

Breakthrough Genomics
Classification: Likely benign. Review status: criteria provided, single submitter. Criteria: ACMG Guidelines, 2015. Collection method: not provided. Allele origin: germline. Inheritance: Autosomal recessive inheritance. Affected: yes.